The following is an entry in ClinVar:

NM_001184785.2(PARD3):c.573C>G (p.Cys191Trp)

Gene: PARD3 (par-3 family cell polarity regulator; minus strand). Cytogenetic location: 10p11.21.
Variant type: single nucleotide variant.
Coding change: c.573C>G on transcript NM_001184785.2 (MANE Select); coding-DNA position 573, C replaced by G.
Protein change: p.Cys191Trp; replaces cysteine 191 with tryptophan.
Molecular consequence: missense variant.
Genome position (GRCh38, 1-based): chr10:34,470,094, G>C on the plus strand (C>G on the coding strand, the complement: PARD3 is on the minus strand). VCF-style: chr10-34470094-G-C. GRCh37 (hg19) VCF-style: chr10-34759022-G-C.
Other names: c.573C>G, p.Cys191Trp (NM_001184786.2, NM_001184787.2, NM_001184788.2 and 7 more transcripts); short protein forms C191W.
Identifiers: ClinVar variation 161556 (VCV000161556.2), dbSNP rs193920776, ClinGen allele CA174332.

ClinVar aggregate classification (germline): Uncertain significance (0 of 4 stars; one submission).

Conditions:
Prostate cancer. Also called: Malignant tumor of prostate. Identifiers: Orphanet 1331, MedGen C0376358, MONDO:0008315, HP:0012125.

gnomAD v4.1: 2 of 1,601,026 alleles (0.00012%); highest among the groups gnomAD compares: Admixed American, 0.0017%; no homozygotes.

Submission:

Science for Life laboratory,  Karolinska Institutet
Classification: Uncertain significance for Malignant tumor of prostate. Review status: no assertion criteria provided. Collection method: not provided. Allele origin: somatic.
Comment: TumorID:SWE-10
ClinVar note: Converted during submission from Unknown to Uncertain significance.